The following is an entry in ClinVar:

NM_001148.6(ANK2):c.1401A>G (p.Ala467=)

Gene: ANK2 (ankyrin 2; plus strand). Cytogenetic location: 4q26.
Variant type: single nucleotide variant.
Coding change: c.1401A>G on transcript NM_001148.6 (MANE Select); coding-DNA position 1401, A replaced by G.
Protein change: p.Ala467=; no amino-acid change (alanine 467 retained).
Molecular consequence: synonymous variant.
Genome position (GRCh38, 1-based): chr4:113,264,911, A>G. VCF-style: chr4-113264911-A-G. GRCh37 (hg19) VCF-style: chr4-114186067-A-G.
Other names: c.1401A>G (NM_001148.5); c.1338A>G, p.Ala446= (NM_001127493.3, NM_001354239.2, NM_001354243.2 and 14 more transcripts); c.1401A>G, p.Ala467= (NM_001354225.2, NM_001354228.2, NM_001354232.2 and 8 more transcripts); c.1446A>G, p.Ala482= (NM_001354230.2, NM_001354231.2, NM_001354237.2 and 5 more transcripts); c.1314A>G, p.Ala438= (NM_001354249.2, NM_001354260.2, NM_001354264.2 and 13 more transcripts); c.1359A>G, p.Ala453= (NM_001354261.2, NM_001386147.1, NM_001386160.1); c.1191A>G, p.Ala397= (NM_001354269.3); c.1203A>G, p.Ala401= (NM_001354273.2); and 5 more.
Identifiers: ClinVar variation 238570 (VCV000238570.53), dbSNP rs142159132, ClinGen allele CA3050290.

ClinVar aggregate classification (germline): Benign/Likely benign. Review status: criteria provided, multiple submitters, no conflicts (2 of 4 stars). 14 submissions from 14 submitters: Benign (7); Likely benign (5). 2 of the submissions do not count toward it. Last evaluated 2026-08-01.

Conditions:
Cardiovascular phenotype. Identifiers: MedGen CN230736.
Long QT syndrome (LQTS). Identifiers: MedGen C0023976, MeSH D008133, MONDO:0002442. Disease mechanism: loss of function. Inheritance: Various modes of inheritance.
Cardiac arrhythmia, ankyrin-B-related. Also called: ANKYRIN-B SYNDROME. Identifiers: Orphanet 101016, Orphanet 768, MedGen C1970119, MONDO:0010958, OMIM 600919.

Allele frequency attached by ClinVar (database versions not stated): 1000 Genomes Project 30x 0.00156; 1000 Genomes Project 0.00160; gnomAD exomes 0.00245 and 0.00335; gnomAD 0.00263 and 0.00269; TOPMed 0.00289; ESP Exome Variant Server 0.00293; ExAC 0.00416.
gnomAD v4.1: 5,125 of 1,565,198 alleles (0.33%); highest among the groups gnomAD compares: Middle Eastern, 1.4%; 8 homozygotes.

Submissions (14):

CeGaT Center for Human Genetics Tuebingen
Classification: Likely benign. Last evaluated: 2026-08-01. Review status: criteria provided, single submitter. Criteria: CeGaT Center For Human Genetics Tuebingen Variant Classification Criteria Version 2. Collection method: clinical testing. Allele origin: germline. Affected: yes. Observed: 19 variant alleles.
Comment: ANK2: BP4, BP7

Labcorp Genetics (formerly Invitae), Labcorp
Classification: Benign for Long QT syndrome. Last evaluated: 2026-02-01. Review status: criteria provided, single submitter. Criteria: Invitae Variant Classification Sherloc (09022015). Collection method: clinical testing. Allele origin: germline.

Molecular Diagnostic Laboratory for Inherited Cardiovascular Disease, Montreal Heart Institute
Classification: Benign. Last evaluated: 2025-04-09. Review status: criteria provided, single submitter. Criteria: ACMG Guidelines, 2015. Collection method: clinical testing. Allele origin: germline. Affected: no.

Blueprint Genetics
Classification: Likely benign. Last evaluated: 2024-11-20. Review status: criteria provided, single submitter. Criteria: ACMG Guidelines, 2015. Collection method: clinical testing. Allele origin: germline.

Genome-Nilou Lab
Classification: Benign for Cardiac arrhythmia, ankyrin-B-related. Last evaluated: 2021-12-05. Review status: criteria provided, single submitter. Criteria: ACMG Guidelines, 2015. Collection method: clinical testing. Allele origin: germline. Affected: no.

Illumina Laboratory Services, Illumina
Classification: Likely benign for Cardiac arrhythmia, ankyrin-B-related. Last evaluated: 2018-01-13. Review status: criteria provided, single submitter. Criteria: ICSL Variant Classification Criteria 13 December 2019. Collection method: clinical testing. Allele origin: germline.
Comment: This variant was observed in the ICSL laboratory as part of a predisposition screen in an ostensibly healthy population. It had not been previously curated by ICSL or reported in the Human Gene Mutation Database (HGMD: prior to June 1st, 2018), and was therefore a candidate for classification through an automated scoring system. Utilizing variant allele frequency, disease prevalence and penetrance estimates, and inheritance mode, an automated score was calculated to assess if this variant is too frequent to cause the disease. Based on the score and internal cut-off values, a variant classified as likely benign is not then subjected to further curation. The score for this variant resulted in a classification of likely benign for this disease.

Clinical Genetics DNA and cytogenetics Diagnostics Lab, Erasmus MC, Erasmus Medical Center
Classification: Likely benign for Cardiac arrhythmia, ankyrin-B-related. Last evaluated: 2017-06-28. Review status: criteria provided, single submitter. Criteria: ACGS Guidelines, 2013. Collection method: clinical testing. Allele origin: germline. Affected: yes. Study: VKGL Data-share Consensus.

Women's Health and Genetics/Laboratory Corporation of America, LabCorp
Classification: Benign. Last evaluated: 2017-02-20. Review status: criteria provided, single submitter. Criteria: LabCorp Variant Classification Summary - May 2015. Collection method: clinical testing. Allele origin: germline.
Comment: Variant summary: The ANK2 c.1401A>G (p.Ala467Ala) variant involves the alteration of a non-conserved nucleotide, resulting in a synonymous change. 4/5 splice prediction tools predict no significant impact on normal splicing. ESE finder predicts that this variant may affect binding of ESE sites. These predictions have not been confirmed by functional studies. This variant was found in 99/23776 control chromosomes (including one homozygote) at a frequency of 0.0041639, which is approximately 416 times the estimated maximal expected allele frequency of a pathogenic ANK2 variant (0.00001), suggesting this variant is likely a benign polymorphism. In addition, one clinical diagnostic laboratory has classified this variant as benign. Taken together, this variant is classified as Benign.

Genome Diagnostics Laboratory, University Medical Center Utrecht
Classification: Benign for Cardiac arrhythmia, ankyrin-B-related. Last evaluated: 2016-11-04. Review status: criteria provided, single submitter. Criteria: ACGS Guidelines, 2013. Collection method: clinical testing. Allele origin: germline. Affected: yes. Study: VKGL Data-share Consensus.

Ambry Genetics
Classification: Benign for Cardiovascular phenotype. Last evaluated: 2015-06-11. Review status: criteria provided, single submitter. Criteria: Ambry Variant Classification Scheme 2023. Collection method: clinical testing. Allele origin: germline.

GeneDx
Classification: Benign. Last evaluated: 2015-03-03. Review status: criteria provided, single submitter. Criteria: GeneDx Variant Classification Process June 2021. Collection method: clinical testing. Allele origin: germline. Affected: yes.

Breakthrough Genomics
Classification: Likely benign. Review status: criteria provided, single submitter. Criteria: ACMG Guidelines, 2015. Collection method: not provided. Allele origin: germline. Inheritance: Autosomal dominant inheritance. Affected: yes.

Clinical Genetics, Academic Medical Center
Classification: Benign. Review status: no assertion criteria provided. Collection method: clinical testing. Allele origin: germline. Affected: yes. Study: VKGL Data-share Consensus. Not counted in ClinVar's aggregate classification.

Joint Genome Diagnostic Labs from Nijmegen and Maastricht, Radboudumc and MUMC+
Classification: Benign. Review status: no assertion criteria provided. Collection method: clinical testing. Allele origin: germline. Affected: yes. Study: VKGL Data-share Consensus. Not counted in ClinVar's aggregate classification.